The following continues an entry in ClinVar:

NM_000053.4(ATP7B):c.3688A>G (p.Ile1230Val)

Gene: ATP7B. ClinVar aggregate classification (germline): Conflicting classifications of pathogenicity. Pathogenic (1); Likely pathogenic (10); Uncertain significance (12).

Submissions 10 to 24 of 24:

Victorian Clinical Genetics Services, Murdoch Childrens Research Institute
Classification: Uncertain significance for Wilson disease. Last evaluated: 2024-10-09. Review status: criteria provided, single submitter. Criteria: ACMG Guidelines, 2015. Collection method: clinical testing. Allele origin: germline. Inheritance: Autosomal recessive inheritance. Affected: yes.
Comment: Based on the classification scheme VCGS_Germline_v1.3.4, this variant is classified as VUS-3A. Following criteria are met: 0102 - Loss of function is a known mechanism of disease in this gene and is associated with Wilson disease. (I) 0106 - This gene is associated with autosomal recessive disease. (I) 0200 - Variant is predicted to result in a missense amino acid change from isoleucine to valine. (I) 0251 - This variant is heterozygous. (I) 0304 - Variant is present in gnomAD (v2) <0.01 for a recessive condition (96 heterozygotes, 0 homozygotes). (SP) 0309 - An alternative amino acid change at the same position has been observed in gnomAD (v2) (1 heterozygote, 0 homozygotes). (I) 0502 - Missense variant with conflicting in silico predictions and uninformative conservation. (I) 0600 - Variant is located in the annotated hydrolase domain (PDB). (I) 0704 - Other missense variants comparable to the one identified in this case has limited previous evidence for pathogenicity. p.(Ile1230Thr) has been identified in an individual with Wilson's disease. p.(Ile1230Leu) has been classified as likely pathogenic by a diagnostic laboratory in ClinVar. (SP) 0808 - Previous reports of pathogenicity for this variant are conflicting. It was also found in an asymptomatic father, whose copper results were only slightly abnormal (PMID: 23389864). Finally, it has been classified as VUS, likely pathogenic and pathogenic by diagnostic laboratory in ClinVar. (I) Legend: (SP) - Supporting pathogenic, (I) - Information, (SB) - Supporting benign

All of Us Research Program, National Institutes of Health
Classification: Uncertain significance for Wilson disease. Last evaluated: 2024-09-23. Review status: criteria provided, single submitter. Criteria: ACMG Guidelines, 2015. Collection method: clinical testing. Allele origin: germline. Inheritance: Autosomal recessive inheritance. Observed: 163 variant alleles, 163 heterozygotes.
Comment: This missense variant replaces isoleucine with valine at codon 1230 of the ATP7B protein. Computational prediction suggests that this variant may have deleterious impact on protein structure and function (internally defined REVEL score threshold >= 0.7, PMID: 27666373). To our knowledge, functional studies have not been reported for this variant. This variant has been reported in individuals affected with Wilson disease (PMID: 18373411, 23389864; DOI:10.4172/lpma.1000228), intellectual disability (PMID: 28554332), and schizophrenia (PMID: 30556376). This variant has been identified in 96/280998 chromosomes in the general population by the Genome Aggregation Database (gnomAD). The available evidence is insufficient to determine the role of this variant in disease conclusively. Therefore, this variant is classified as a Variant of Uncertain Significance.

This study involves interpretation of variants in research participants for the purpose of population health screening. Participant phenotype was not available at the time of variant classification. Additional details can be found in publication PMID: 35346344, PMCID: PMC8962531

Blueprint Genetics
Classification: Uncertain significance. Last evaluated: 2024-09-06. Review status: criteria provided, single submitter. Criteria: ACMG Guidelines, 2015. Collection method: clinical testing. Allele origin: germline.

Fulgent Genetics
Classification: Uncertain significance for Wilson disease. Last evaluated: 2024-05-24. Review status: criteria provided, single submitter. Criteria: ACMG Guidelines, 2015. Collection method: clinical testing. Allele origin: germline.

Genomic Medicine Center of Excellence, King Faisal Specialist Hospital and Research Centre
Classification: Likely pathogenic for Wilson disease. Last evaluated: 2024-03-29. Review status: criteria provided, single submitter. Criteria: ACMG Guidelines, 2015. Collection method: clinical testing. Allele origin: germline.

Laboratory of Medical Genetics, National & Kapodistrian University of Athens
Classification: Likely pathogenic for Wilson disease. Last evaluated: 2024-02-01. Review status: criteria provided, single submitter. Criteria: ACMG Guidelines, 2015. Collection method: curation. Allele origin: germline. Affected: no.

Johns Hopkins Genomics, Johns Hopkins University
Classification: Uncertain significance for Wilson disease. Last evaluated: 2023-05-19. Review status: criteria provided, single submitter. Criteria: ACMG Guidelines, 2015. Collection method: clinical testing. Allele origin: germline.
Comment: This ATP7B missense variant has been reported in individuals with clinical features of Wilson disease, and at least one of these individuals had a second variant in trans that was established to be pathogenic. This variant (rs200911496) is rare (<0.1%) in a large population dataset (gnomAD v3.1.2: 74/152248 total alleles; 0.05%; no homozygotes). It has been reported in ClinVar (Variation ID 312379). Two bioinformatic tools queried predict that this substitution would be damaging, and the isoleucine residue at this position is evolutionarily conserved across all of the species assessed. We consider the clinical significance of c.3688A>G; p.Ile1230Val in ATP7B to be uncertain at this time.

Institute of Genomics, University of Tartu
Classification: Likely pathogenic for Wilson disease. Last evaluated: 2023-04-04. Review status: criteria provided, single submitter. Criteria: ACMG Guidelines, 2015. Collection method: research. Allele origin: germline. Affected: yes. Observed: 1 variant allele, 1 compound heterozygote.
Comment: This ATP7B c.3688A>G; p.Ile1230Val variant (rs200911496) was identified in the 2020-2023 Wilson's disease genotype-first recall study at the Estonian Biobank. We classified this variant as likely pathogenic according to Richards et al. 2015 ACMG guidelines. Evidence: PM2 (recessive disease, GnomAD global AF 0.0006), PM3 (found in trans with another pathogenic variant (p.H1069Q) in our recall study, previously also described in PMID: 23389864), PP3 (CADD 24.9, METALR 0.87 D, MutationTester D), PP4 (PMID: 18373411, 23389864, also see clinical features)

ARUP Laboratories, Molecular Genetics and Genomics, ARUP Laboratories
Classification: Likely pathogenic for Wilson disease. Last evaluated: 2023-02-27. Review status: criteria provided, single submitter. Criteria: ARUP Molecular Germline Variant Investigation Process 2024. Collection method: clinical testing. Allele origin: germline.
Comment: The ATP7B c.3688A>G; p.Ile1230Val variant (rs200911496) is reported in the literature in individuals affected with Wilson disease (Davies 2008, Denoyer 2013, Otto 2016), including in the compound heterozygous state with another pathogenic variant (Denoyer 2013). This variant is reported in ClinVar (Variation ID: 312379), and found in the general population with an overall allele frequency of 0.034% (96/280998 alleles) in the Genome Aggregation Database. Computational analyses predict that this variant is deleterious (REVEL: 0.801). Additionally, another variant at this codon (c.3689T>C; p.Ile1230Thr) has been reported in the compound heterozygous state in an individual with Wilson disease (Li 2019). Based on available information, the p.Ile1230Val variant is considered likely pathogenic. References: Davies LP et al. New mutations in the Wilson disease gene, ATP7B: implications for molecular testing. Genet Test. 2008 Mar;12(1):139-45. PMID: 18373411. Denoyer Y et al. Neurological Wilson's disease lethal for the son, asymptomatic in the father. Mov Disord. 2013 Mar;28(3):402-3. PMID: 23389864. Li X et al. Complex ATP7B mutation patterns in Wilson disease and evaluation of a yeast model for functional analysis of variants. Hum Mutat. 2019 May;40(5):552-565. PMID: 30702195. Otto PA et al. Estimation of Allele Frequencies and Population Incidence of Wilson Disease in Brazil. Prensa Med Argent 2016, 102:5. DOI 10.4172/lpma.1000228

Ambry Genetics
Classification: Uncertain significance for Inborn genetic diseases. Last evaluated: 2021-07-14. Review status: criteria provided, single submitter. Criteria: Ambry Variant Classification Scheme 2023. Collection method: clinical testing. Allele origin: germline.
Comment: Davies, 2008; Denoyer, 2013 Based on insufficient or conflicting evidence, the clinical significance of this alteration remains unclear.

Genome-Nilou Lab
Classification: Likely pathogenic for Wilson disease. Last evaluated: 2021-05-18. Review status: criteria provided, single submitter. Criteria: ACMG Guidelines, 2015. Collection method: clinical testing. Allele origin: germline. Affected: no.

Laboratory for Molecular Medicine, Mass General Brigham Personalized Medicine
Classification: Uncertain significance. Last evaluated: 2016-03-28. Review status: criteria provided, single submitter. Criteria: LMM Criteria. Collection method: clinical testing. Allele origin: germline.
Comment: Variant identified in a genome or exome case(s) and assessed due to predicted null impact of the variant or pathogenic assertions in the literature or databases. Disclaimer: This variant has not undergone full assessment. The following are preliminary notes: p.Ile1230Val in HGMD. Reported in one publication in patient(s) with Wilson disease (Davies 2008; full text not available). 0.1% in ExAC, including 1 homozygote.

HudsonAlpha Institute for Biotechnology
Classification: Likely pathogenic for Wilson disease. Last evaluated: 2015-02-10. Review status: criteria provided, single submitter. Criteria: HA_assertions_20150911. Collection method: research. Allele origin: unknown, paternal. Observed: 2 variant alleles. Study: CSER-HudsonAlpha.

Juno Genomics, Hangzhou Juno Genomics, Inc
Classification: Likely pathogenic for Wilson disease. Review status: criteria provided, single submitter. Criteria: ACMG Guidelines, 2015. Collection method: clinical testing. Allele origin: germline.
Comment: Absent from controls (or at extremely low frequency if recessive) in Genome Aggregation Database.;Multiple lines of computational evidence support a deleterious effect on the gene or gene product.;For recessive disorders, detected in trans with a pathogenic variant.;Patient's phenotype or family history is highly specific for a disease with a single genetic etiology.

PreventionGenetics, part of Exact Sciences
Classification: Likely pathogenic for ATP7B-related condition. Last evaluated: 2024-07-17. Review status: no assertion criteria provided. Collection method: clinical testing. Allele origin: germline. Not counted in ClinVar's aggregate classification.
Comment: The ATP7B c.3688A>G variant is predicted to result in the amino acid substitution p.Ile1230Val. This variant has been reported in patients with Wilson disease in the compound heterozygous state (Davies et al. 2008. PubMed ID: 18373411). Some reports indicate that it may cause a mild or asymptomatic form of the disease (Denoyer et al. 2013. PubMed ID: 23389864; Wallace and Dooley. 2020. PubMed ID: 32248359). This variant is reported in 0.064% of alleles in individuals of European (Non-Finnish) descent in gnomAD. A different missense change affecting this amino acid has been reported in the compound heterozygous state in a patient and has been shown to impact protein function (c.3689T>C, p.Ile1230Thr; Li et al. 2019. PubMed ID: 30702195). We interpret the c.3688A>G variant as likely pathogenic.

Literature cited by the submitters: PubMed 18373411 (cited by 10 submitters); PubMed 23389864 (cited by 10 submitters); PubMed 30702195 (cited by 5 submitters); PubMed 22692182 (cited by Women's Health and Genetics/Laboratory Corporation of America, LabCorp); PubMed 30097039 (cited by Women's Health and Genetics/Laboratory Corporation of America, LabCorp); PubMed 30556376 (cited by 3 submitters); PubMed 29790872 (cited by Women's Health and Genetics/Laboratory Corporation of America, LabCorp); PubMed 31059521 (cited by Women's Health and Genetics/Laboratory Corporation of America, LabCorp); PubMed 28554332 (cited by 3 submitters); PubMed 35245129 (cited by Color Diagnostics, LLC DBA Color Health); PubMed 20465995 (cited by Mayo Clinic Laboratories, Mayo Clinic); PubMed 26752957 (cited by Mayo Clinic Laboratories, Mayo Clinic); PubMed 32248359 (cited by Mayo Clinic Laboratories, Mayo Clinic and Johns Hopkins Genomics, Johns Hopkins University).